The following is an entry in ClinVar:

ClinVar aggregate classification (germline): Uncertain significance. Review status: criteria provided, multiple submitters, no conflicts (2 of 4 stars). 2 submissions from 2 submitters: Uncertain significance (2). Last evaluated 2025-11-13.

Conditions:
Hereditary cancer-predisposing syndrome. Also called: Neoplastic Syndromes, Hereditary; Tumor predisposition; Hereditary Cancer Syndrome; Hereditary neoplastic syndrome. Identifiers: Orphanet 140162, MedGen C0027672, MeSH D009386, MONDO:0015356.
Familial cancer of breast. Also called: hereditary breast carcinoma; BREAST CANCER, FAMILIAL; Hereditary breast cancer. Identifiers: Orphanet 227535, MedGen C0346153, MONDO:0016419, OMIM 114480. Disease mechanism: loss of function.

Submissions (2):

Labcorp Genetics (formerly Invitae), Labcorp
Classification: Uncertain significance for Familial cancer of breast. Last evaluated: 2025-11-13. Review status: criteria provided, single submitter. Criteria: Invitae Variant Classification Sherloc (09022015). Collection method: clinical testing. Allele origin: germline.
Comment: This sequence change replaces proline, which is neutral and non-polar, with threonine, which is neutral and polar, at codon 283 of the CHEK2 protein (p.Pro283Thr). This variant is not present in population databases (gnomAD no frequency). This variant has not been reported in the literature in individuals affected with CHEK2-related conditions. ClinVar contains an entry for this variant (Variation ID: 1763526). An algorithm developed to predict the effect of missense changes on protein structure and function (PolyPhen-2) suggests that this variant is likely to be disruptive. In summary, the available evidence is currently insufficient to determine the role of this variant in disease. Therefore, it has been classified as a Variant of Uncertain Significance.

Ambry Genetics
Classification: Uncertain significance for Hereditary cancer-predisposing syndrome. Last evaluated: 2024-02-12. Review status: criteria provided, single submitter. Criteria: Ambry Variant Classification Scheme 2023. Collection method: clinical testing. Allele origin: germline.
Comment: The p.P283T variant (also known as c.847C>A) is located in coding exon 7 of the CHEK2 gene. This change occurs in the first base pair of coding exon 7. The proline at codon 283 is replaced by threonine, an amino acid with highly similar properties. This amino acid position is highly conserved in available vertebrate species. In addition, the in silico prediction for this alteration is inconclusive. Since supporting evidence is limited at this time, the clinical significance of this alteration remains unclear.

NM_007194.4(CHEK2):c.847C>A (p.Pro283Thr)

Gene: CHEK2 (checkpoint kinase 2; minus strand). Cytogenetic location: 22q12.1.
Variant type: single nucleotide variant.
Coding change: c.847C>A on transcript NM_007194.4 (MANE Select); coding-DNA position 847, C replaced by A.
Protein change: p.Pro283Thr; replaces proline 283 with threonine.
Molecular consequence: missense variant.
Genome position (GRCh38, 1-based): chr22:28,703,566, G>T on the plus strand (C>A on the coding strand, the complement: CHEK2 is on the minus strand). VCF-style: chr22-28703566-G-T. GRCh37 (hg19) VCF-style: chr22-29099554-G-T.
Other names: c.976C>A, p.Pro326Thr (NM_001005735.3); c.184C>A, p.Pro62Thr (NM_001257387.3); c.646C>A, p.Pro216Thr (NM_001349956.3); c.847C>A, p.Pro283Thr (NM_145862.3); short protein forms P216T, P283T, P326T, P62T.
Identifiers: ClinVar variation 1763526 (VCV001763526.3), dbSNP rs1555917036, ClinGen allele CA411101385.
Genomic context (GRCh38, chr22:28,703,566, plus strand): 5'-ATTCCAAAACAATATAATAATCTTCTGCATCAAAAAAGTTTTTAATCTTGATGATGCAAG[G>T]CTAAGAAGAGGGGGAGAAAAAAGGGAAAGTAGTGAGAAACTCCCAAGAGGAAAACCACAA-3'
Protein context (NP_009125.1, residues 273-293): EIEILKKLNH[Pro283Thr]CIIKIKNFFD